The following is an entry in ClinVar:

NM_000286.3(PEX12):c.1002G>A (p.Arg334=)

Gene: PEX12 (peroxisomal biogenesis factor 12; minus strand). Cytogenetic location: 17q12.
Variant type: single nucleotide variant.
Coding change: c.1002G>A on transcript NM_000286.3 (MANE Select); coding-DNA position 1002, G replaced by A.
Protein change: p.Arg334=; no amino-acid change (arginine 334 retained).
Molecular consequence: synonymous variant.
Genome position (GRCh38, 1-based): chr17:35,575,860, C>T on the plus strand (G>A on the coding strand, the complement: PEX12 is on the minus strand). VCF-style: chr17-35575860-C-T. GRCh37 (hg19) VCF-style: chr17-33902879-C-T.
Other names: p.Arg334=.
Identifiers: ClinVar variation 322652 (VCV000322652.29), dbSNP rs200283718, ClinGen allele CA8504806.

ClinVar aggregate classification (germline): Conflicting classifications of pathogenicity. Review status: criteria provided, conflicting classifications (1 of 4 stars). 6 submissions from 6 submitters: Uncertain significance (2); Likely benign (4). Last evaluated 2026-05-01.

Conditions:
Peroxisome biogenesis disorder 3A (Zellweger). Also called: PEROXISOMAL BIOGENESIS DISORDER 3A (ZELLWEGER); Peroxisome biogenesis disorder 3A. Identifiers: Orphanet 912, MedGen C3553929, MONDO:0013927, OMIM 614859.

Allele frequency attached by ClinVar (database versions not stated): ESP Exome Variant Server 0.00008; gnomAD 0.00011 and 0.00013; TOPMed 0.00011; gnomAD exomes 0.00015 and 0.00016; 1000 Genomes Project 30x 0.00016; 1000 Genomes Project 0.00020; ExAC 0.00020.

Submissions (6):

CeGaT Center for Human Genetics Tuebingen
Classification: Likely benign. Last evaluated: 2026-05-01. Review status: criteria provided, single submitter. Criteria: CeGaT Center For Human Genetics Tuebingen Variant Classification Criteria Version 2. Collection method: clinical testing. Allele origin: germline. Affected: yes. Observed: 2 variant alleles.
Comment: PEX12: BP4, BP7

Labcorp Genetics (formerly Invitae), Labcorp
Classification: Likely benign for Peroxisome biogenesis disorder 3A (Zellweger). Last evaluated: 2026-02-01. Review status: criteria provided, single submitter. Criteria: Invitae Variant Classification Sherloc (09022015). Collection method: clinical testing. Allele origin: germline.

Mayo Clinic Laboratories, Mayo Clinic
Classification: Likely benign. Last evaluated: 2025-09-08. Review status: criteria provided, single submitter. Criteria: ACMG Guidelines, 2015. Collection method: clinical testing. Allele origin: germline. Observed: 2 variant alleles.
Comment: BP4, BP7

Blueprint Genetics
Classification: Likely benign. Last evaluated: 2024-11-07. Review status: criteria provided, single submitter. Criteria: ACMG Guidelines, 2015. Collection method: clinical testing. Allele origin: germline.

Eurofins Ntd Llc (ga)
Classification: Uncertain significance. Last evaluated: 2018-04-05. Review status: criteria provided, single submitter. Criteria: EGL ClinVar v180209 classification definitions. Collection method: clinical testing. Allele origin: germline. Observed: 2 variant alleles, 2 heterozygotes.

Illumina Laboratory Services, Illumina
Classification: Uncertain significance for Peroxisome biogenesis disorder 3A (Zellweger). Last evaluated: 2018-01-13. Review status: criteria provided, single submitter. Criteria: ICSL Variant Classification Criteria 13 December 2019. Collection method: clinical testing. Allele origin: germline.